The following is an entry in ClinVar:

NM_032977.4(CASP10):c.783_784del (p.Asn262fs)

Gene: CASP10 (caspase 10; plus strand). Cytogenetic location: 2q33.1.
Variant type: Deletion.
Coding change: c.783_784del on transcript NM_032977.4 (MANE Select); coding-DNA positions 783 to 784, 2 bases deleted (TA; older notation c.783_784delTA).
Protein change: p.Asn262fs; shifts the reading frame from asparagine 262.
Molecular consequence: frameshift variant. On other transcripts: intron variant (4).
Genome position (GRCh38, 1-based): chr2:201,205,943-201,205,944, TA deleted. VCF-style (leftmost placement, unchanged base first): chr2-201205942-CTA-C. GRCh37 (hg19) VCF-style: chr2-202070665-CTA-C.
Other names: c.783_784del, p.Asn262fs (NM_032974.5); c.685-2132_685-2131del (NM_001206542.2, NM_001230.5); c.722-2132_722-2131del (NM_032976.4); c.721+2177_721+2178del (NM_001206524.2); short protein forms N262fs.
Identifiers: ClinVar variation 1512829 (VCV001512829.6), dbSNP rs1451261167, ClinGen allele CA538941741.

ClinVar aggregate classification (germline): Uncertain significance (1 of 4 stars; one submission).

Conditions:
Autoimmune lymphoproliferative syndrome type 2A (ALPS2A). Also called: CASP10-Related Autoimmune Lymphoproliferative Syndrome; Autoimmune lymphoproliferative syndrome type 2; AUTOIMMUNE LYMPHOPROLIFERATIVE SYNDROME, TYPE IIA. Identifiers: Orphanet 3261, MedGen C1858968, MONDO:0011383, OMIM 603909.

Allele frequency attached by ClinVar (database versions not stated): gnomAD 0.00001.

Submission:

Labcorp Genetics (formerly Invitae), Labcorp
Classification: Uncertain significance for Autoimmune lymphoproliferative syndrome type 2A. Last evaluated: 2025-03-31. Review status: criteria provided, single submitter. Criteria: Invitae Variant Classification Sherloc (09022015). Collection method: clinical testing. Allele origin: germline.
Comment: This sequence change creates a premature translational stop signal (p.Asn262Hisfs*5) in the CASP10 gene. It is expected to result in an absent or disrupted protein product. However, the current clinical and genetic evidence is not sufficient to establish whether loss-of-function variants in CASP10 cause disease. This variant is present in population databases (no rsID available, gnomAD 0.01%). This variant has not been reported in the literature in individuals affected with CASP10-related conditions. ClinVar contains an entry for this variant (Variation ID: 1512829). In summary, the available evidence is currently insufficient to determine the role of this variant in disease. Therefore, it has been classified as a Variant of Uncertain Significance.